The following is an entry in ClinVar:

ClinVar aggregate classification (germline): Uncertain significance (1 of 4 stars; one submission).

Conditions:
Sialuria. Also called: SIALURIA, FRENCH TYPE; Sialic Acid Storage Disease. Identifiers: Orphanet 3166, MedGen C0342853, MONDO:0010028, OMIM 269921.
GNE myopathy (NM). Also called: NONAKA DISTAL MYOPATHY; IBM 2; INCLUSION BODY MYOPATHY, HEREDITARY, AUTOSOMAL RECESSIVE; INCLUSION BODY MYOPATHY 2, AUTOSOMAL RECESSIVE; MYOPATHY, DISTAL, WITH OR WITHOUT RIMMED VACUOLES; Inclusion body myopathy autosomal recessive. Identifiers: Orphanet 602, MedGen C1853926, MONDO:0011603, OMIM 605820.

gnomAD v4.1: 1 of 1,613,720 alleles (0.000062%); highest among the groups gnomAD compares: Non-Finnish European, 0.000085%; no homozygotes.

Submission:

Labcorp Genetics (formerly Invitae), Labcorp
Classification: Uncertain significance for Sialuria; GNE myopathy. Last evaluated: 2021-08-30. Review status: criteria provided, single submitter. Criteria: Invitae Variant Classification Sherloc (09022015). Collection method: clinical testing. Allele origin: germline.
Comment: This sequence change replaces methionine with isoleucine at codon 296 of the GNE protein (p.Met296Ile). The methionine residue is highly conserved and there is a small physicochemical difference between methionine and isoleucine. This variant is not present in population databases (ExAC no frequency). This variant has not been reported in the literature in individuals affected with GNE-related conditions. Algorithms developed to predict the effect of missense changes on protein structure and function are either unavailable or do not agree on the potential impact of this missense change (SIFT: "Deleterious"; PolyPhen-2: "Benign"; Align-GVGD: "Class C0"). In summary, the available evidence is currently insufficient to determine the role of this variant in disease. Therefore, it has been classified as a Variant of Uncertain Significance.

NM_005476.7(GNE):c.795G>T (p.Met265Ile)

Gene: GNE (glucosamine (UDP-N-acetyl)-2-epimerase/N-acetylmannosamine kinase; minus strand). Cytogenetic location: 9p13.3.
Variant type: single nucleotide variant.
Coding change: c.795G>T on transcript NM_005476.7 (MANE Select); coding-DNA position 795, G replaced by T.
Protein change: p.Met265Ile; replaces methionine 265 with isoleucine.
Molecular consequence: missense variant.
Genome position (GRCh38, 1-based): chr9:36,234,107, C>A on the plus strand (G>T on the coding strand, the complement: GNE is on the minus strand). VCF-style: chr9-36234107-C-A. GRCh37 (hg19) VCF-style: chr9-36234104-C-A.
Other names: c.618G>T, p.Met206Ile (NM_001190388.2, NM_001374798.1); c.642G>T, p.Met214Ile (NM_001374797.1); c.888G>T, p.Met296Ile (NM_001128227.3); c.795G>T, p.Met265Ile (NM_001190383.3); c.465G>T, p.Met155Ile (NM_001190384.3); short protein forms M206I, M214I, M296I, M155I, M265I.
Identifiers: ClinVar variation 842552 (VCV000842552.4), dbSNP rs1829295633, ClinGen allele CA373430859.